The following is an entry in ClinVar:

NM_001164508.2(NEB):c.17654G>A (p.Trp5885Ter)

Gene: NEB (nebulin; minus strand). Cytogenetic location: 2q23.3.
Variant type: single nucleotide variant.
Coding change: c.17654G>A on transcript NM_001164508.2 (MANE Select); coding-DNA position 17654, G replaced by A.
Protein change: p.Trp5885Ter; replaces tryptophan 5885 with a stop codon.
Molecular consequence: nonsense.
Genome position (GRCh38, 1-based): chr2:151,568,398, C>T on the plus strand (G>A on the coding strand, the complement: NEB is on the minus strand). VCF-style: chr2-151568398-C-T. GRCh37 (hg19) VCF-style: chr2-152424912-C-T.
Other names: c.17654G>A, p.Trp5885Ter (NM_001164507.2, NM_001271208.2); c.12551G>A, p.Trp4184Ter (NM_004543.5); short protein forms W4184*, W5885*.
Identifiers: ClinVar variation 1076162 (VCV001076162.9), dbSNP rs1340834766, ClinGen allele CA348805020.

ClinVar aggregate classification (germline): Pathogenic (1 of 4 stars; one submission).

Conditions:
Nemaline myopathy 2 (NEM2). Also called: Nemaline myopathy 2, autosomal recessive. Identifiers: MedGen C1850569, MONDO:0009725, OMIM 256030.

Submission:

Labcorp Genetics (formerly Invitae), Labcorp
Classification: Pathogenic for Nemaline myopathy 2. Last evaluated: 2025-12-17. Review status: criteria provided, single submitter. Criteria: Invitae Variant Classification Sherloc (09022015). Collection method: clinical testing. Allele origin: germline.
Comment: This sequence change creates a premature translational stop signal (p.Trp5885*) in the NEB gene. It is expected to result in an absent or disrupted protein product. Loss-of-function variants in NEB are known to be pathogenic (PMID: 25205138). This variant is not present in population databases (gnomAD no frequency). This premature translational stop signal has been observed in individual(s) with nemaline myopathy (PMID: 25205138). ClinVar contains an entry for this variant (Variation ID: 1076162). For these reasons, this variant has been classified as Pathogenic.

Literature cited by the submitters: PubMed 25205138.